The following is an entry in ClinVar:

ClinVar aggregate classification (germline): Uncertain significance (1 of 4 stars; one submission).

Allele frequency attached by ClinVar (database versions not stated): gnomAD exomes below 0.00001; ExAC 0.00001.
gnomAD v4.1: 1 of 1,614,026 alleles (0.000062%); highest among the groups gnomAD compares: Non-Finnish European, 0.000085%; no homozygotes.

Submission:

Labcorp Genetics (formerly Invitae), Labcorp
Classification: Uncertain significance. Last evaluated: 2024-06-11. Review status: criteria provided, single submitter. Criteria: Invitae Variant Classification Sherloc (09022015). Collection method: clinical testing. Allele origin: germline.
Comment: This sequence change replaces leucine, which is neutral and non-polar, with proline, which is neutral and non-polar, at codon 1561 of the POLE protein (p.Leu1561Pro). This variant is present in population databases (rs747250998, gnomAD 0.007%). This variant has not been reported in the literature in individuals affected with POLE-related conditions. Advanced modeling of protein sequence and biophysical properties (such as structural, functional, and spatial information, amino acid conservation, physicochemical variation, residue mobility, and thermodynamic stability) performed at Invitae indicates that this missense variant is not expected to disrupt POLE protein function with a negative predictive value of 80%. In summary, the available evidence is currently insufficient to determine the role of this variant in disease. Therefore, it has been classified as a Variant of Uncertain Significance.

NM_006231.4(POLE):c.4682T>C (p.Leu1561Pro)

Gene: POLE (DNA polymerase epsilon, catalytic subunit; minus strand). Cytogenetic location: 12q24.33.
Variant type: single nucleotide variant.
Coding change: c.4682T>C on transcript NM_006231.4 (MANE Select); coding-DNA position 4682, T replaced by C.
Protein change: p.Leu1561Pro; replaces leucine 1561 with proline.
Molecular consequence: missense variant.
Genome position (GRCh38, 1-based): chr12:132,642,866, A>G on the plus strand (T>C on the coding strand, the complement: POLE is on the minus strand). VCF-style: chr12-132642866-A-G. GRCh37 (hg19) VCF-style: chr12-133219452-A-G.
Other names: short protein forms L1561P.
Identifiers: ClinVar variation 2745114 (VCV002745114.3), dbSNP rs747250998, ClinGen allele CA6892745.